The following is an entry in ClinVar:

NM_014634.4(PPM1F):c.963C>G (p.Thr321=)

Gene: PPM1F (protein phosphatase, Mg2+/Mn2+ dependent 1F; minus strand). Cytogenetic location: 22q11.22.
Variant type: single nucleotide variant.
Coding change: c.963C>G on transcript NM_014634.4 (MANE Select); coding-DNA position 963, C replaced by G.
Protein change: p.Thr321=; no amino-acid change (threonine 321 retained).
Molecular consequence: synonymous variant.
Genome position (GRCh38, 1-based): chr22:21,925,591, G>C on the plus strand (C>G on the coding strand, the complement: PPM1F is on the minus strand). VCF-style: chr22-21925591-G-C. GRCh37 (hg19) VCF-style: chr22-22279964-G-C.
Other names: c.459C>G, p.Thr153= (NM_001410836.1); c.963C>G (NM_014634.3).
Identifiers: ClinVar variation 3667579 (VCV003667579.3).

ClinVar aggregate classification (germline): Benign/Likely benign. Review status: criteria provided, multiple submitters, no conflicts (2 of 4 stars). 2 submissions from 2 submitters: Benign (1); Likely benign (1). Last evaluated 2026-01-28.

Conditions:
PPM1F-related condition.

gnomAD v4.1: 257 of 1,613,718 alleles (0.016%); highest among the groups gnomAD compares: African/African-American, 0.32%; no homozygotes.

Submissions (2):

PreventionGenetics, part of Exact Sciences
Classification: Likely benign for PPM1F-related condition. Last evaluated: 2026-01-28. Review status: criteria provided, single submitter. Criteria: ACMG Guidelines, 2015. Collection method: clinical testing. Allele origin: germline.
Comment: This variant is classified as likely benign based on ACMG/AMP sequence variant interpretation guidelines (Richards et al. 2015 PMID: 25741868, with internal and published modifications).

Labcorp Genetics (formerly Invitae), Labcorp
Classification: Benign. Last evaluated: 2026-01-20. Review status: criteria provided, single submitter. Criteria: Invitae Variant Classification Sherloc (09022015). Collection method: clinical testing. Allele origin: germline.